The following is an entry in ClinVar:

NM_001109878.2(TBX22):c.767T>C (p.Phe256Ser)

Gene: TBX22 (T-box transcription factor 22). Cytogenetic location: Xq21.1.
Variant type: single nucleotide variant.
Coding change: c.767T>C on transcript NM_001109878.2 (MANE Select); coding-DNA position 767, T replaced by C.
Protein change: p.Phe256Ser; replaces phenylalanine 256 with serine.
Molecular consequence: missense variant.
Genome position (GRCh38, 1-based): chrX:80,026,837, T>C. VCF-style: chrX-80026837-T-C. GRCh37 (hg19) VCF-style: chrX-79282336-T-C.
Other names: c.407T>C, p.Phe136Ser (NM_001109879.2, NM_001303475.1); c.767T>C, p.Phe256Ser (NM_016954.2); short protein forms F136S, F256S.
Identifiers: ClinVar variation 4083476 (VCV004083476.1).

ClinVar aggregate classification (germline): Uncertain significance (1 of 4 stars; one submission).

Submission:

GeneDx
Classification: Uncertain significance. Last evaluated: 2025-03-14. Review status: criteria provided, single submitter. Criteria: GeneDx Variant Classification Process June 2021. Collection method: clinical testing. Allele origin: germline. Affected: yes.
Comment: Not observed at significant frequency in large population cohorts (gnomAD); In silico analysis supports that this missense variant has a deleterious effect on protein structure/function; Has not been previously published as pathogenic or benign to our knowledge